The following is an entry in ClinVar:

NM_004371.4(COPA):c.2948C>A (p.Pro983His)

Gene: COPA (coat protein complex I subunit alpha; minus strand). Cytogenetic location: 1q23.2.
Variant type: single nucleotide variant.
Coding change: c.2948C>A on transcript NM_004371.4 (MANE Select); coding-DNA position 2948, C replaced by A.
Protein change: p.Pro983His; replaces proline 983 with histidine.
Molecular consequence: missense variant.
Genome position (GRCh38, 1-based): chr1:160,292,496, G>T on the plus strand (C>A on the coding strand, the complement: COPA is on the minus strand). VCF-style: chr1-160292496-G-T. GRCh37 (hg19) VCF-style: chr1-160262286-G-T.
Other names: c.2975C>A, p.Pro992His (NM_001098398.2); short protein forms P983H, P992H.
Identifiers: ClinVar variation 3667433 (VCV003667433.2).

ClinVar aggregate classification (germline): Uncertain significance (1 of 4 stars; one submission).

Conditions:
Autoimmune interstitial lung disease-arthritis syndrome. Also called: Autoinflammation and autoimmunity, systemic, with immune dysregulation. Identifiers: Orphanet 444092, MedGen C5975714, MONDO:0014629.

Submission:

Labcorp Genetics (formerly Invitae), Labcorp
Classification: Uncertain significance for Autoimmune interstitial lung disease-arthritis syndrome. Last evaluated: 2025-01-06. Review status: criteria provided, single submitter. Criteria: Invitae Variant Classification Sherloc (09022015). Collection method: clinical testing. Allele origin: germline.
Comment: This sequence change replaces proline, which is neutral and non-polar, with histidine, which is basic and polar, at codon 983 of the COPA protein (p.Pro983His). This variant is not present in population databases (gnomAD no frequency). This variant has not been reported in the literature in individuals affected with COPA-related conditions. Invitae Evidence Modeling of protein sequence and biophysical properties (such as structural, functional, and spatial information, amino acid conservation, physicochemical variation, residue mobility, and thermodynamic stability) indicates that this missense variant is expected to disrupt COPA protein function with a positive predictive value of 80%. In summary, the available evidence is currently insufficient to determine the role of this variant in disease. Therefore, it has been classified as a Variant of Uncertain Significance.